The following is an entry in ClinVar:

NM_201596.3(CACNB2):c.1764C>A (p.His588Gln)

Gene: CACNB2 (calcium voltage-gated channel auxiliary subunit beta 2; plus strand). Cytogenetic location: 10p12.31.
Variant type: single nucleotide variant.
Coding change: c.1764C>A on transcript NM_201596.3 (MANE Select); coding-DNA position 1764, C replaced by A.
Protein change: p.His588Gln; replaces histidine 588 with glutamine.
Molecular consequence: missense variant.
Genome position (GRCh38, 1-based): chr10:18,539,505, C>A. VCF-style: chr10-18539505-C-A. GRCh37 (hg19) VCF-style: chr10-18828434-C-A.
Other names: c.1599C>A, p.His533Gln (NM_000724.4); c.1566C>A, p.His522Gln (NM_001167945.2); c.1485C>A, p.His495Gln (NM_001330060.2); c.1506C>A, p.His502Gln (NM_001410882.1); c.1620C>A, p.His540Gln (NM_201570.3); c.1680C>A, p.His560Gln (NM_201571.4); c.1608C>A, p.His536Gln (NM_201572.4); c.1602C>A, p.His534Gln (NM_201590.3); and 2 more; short protein forms H522Q, H536Q, H564Q, H533Q, H550Q, H588Q, H502Q, H540Q.
Identifiers: ClinVar variation 3826745 (VCV003826745.2).
Genomic context (GRCh38, chr10:18,539,505, plus strand): 5'-AGAGCCAAAGGAAGATTATTCCCATGACCACGTGGACCACTATGCCTCACACCGTGACCA[C>A]AACCACAGAGACGAGACCCACGGGAGCAGTGACCACAGACACAGGGAGTCCCGGCACCGT-3'
Protein context (NP_963890.2, residues 578-598): HVDHYASHRD[His588Gln]NHRDETHGSS

ClinVar aggregate classification (germline): Uncertain significance (1 of 4 stars; one submission).

Conditions:
Cardiovascular phenotype. Identifiers: MedGen CN230736.

Submission:

Ambry Genetics
Classification: Uncertain significance for Cardiovascular phenotype. Last evaluated: 2026-03-12. Review status: criteria provided, single submitter. Criteria: Ambry Variant Classification Scheme 2023. Collection method: clinical testing. Allele origin: germline.
Comment: The p.H534Q variant (also known as c.1602C>A), located in coding exon 13 of the CACNB2 gene, results from a C to A substitution at nucleotide position 1602. The histidine at codon 534 is replaced by glutamine, an amino acid with highly similar properties. This amino acid position is conserved. In addition, the in silico prediction for this alteration is inconclusive. Based on the available evidence, the clinical significance of this variant remains unclear.